The following is an entry in ClinVar:

ClinVar aggregate classification (germline): Uncertain significance (1 of 4 stars; one submission).

Conditions:
Cone-rod dystrophy 19 (CORD19). Identifiers: Orphanet 1872, MedGen C4014501, MONDO:0014372, OMIM 615860.

gnomAD v4.1: 1 of 1,612,910 alleles (0.000062%); highest among the groups gnomAD compares: Non-Finnish European, 0.000085%; no homozygotes.

Submission:

Genetic Diseases Diagnosis Center, Ankara Bilkent City Hospital
Classification: Uncertain significance for Cone-rod dystrophy 19. Last evaluated: 2026-02-04. Review status: criteria provided, single submitter. Criteria: ACMG Guidelines, 2015. Collection method: clinical testing. Allele origin: germline. Inheritance: Autosomal recessive inheritance. Affected: yes. Observed: 1 homozygote.
Comment: The variant TTLL5 (NM_015072.5): c.419G>T (p.Arg140Leu) is a missense variant. This variant is absent from population databases, including gnomAD and other large-scale control cohorts, fulfilling PM2 (moderate evidence of pathogenicity). Multiple in silico prediction tools support a deleterious effect of this variant on protein function, supporting PP3 (supporting evidence). Although the variant was detected in the homozygous state and the clinical presentation appears compatible with TTLL5-related disease, the available evidence is insufficient to support a pathogenic or likely pathogenic classification. Based on the ACMG/AMP guidelines, the combination of PM2 + PP3 supports classification of this variant as a Variant of Uncertain Significance (VUS).

NM_015072.5(TTLL5):c.419G>T (p.Arg140Leu)

Gene: TTLL5 (tubulin tyrosine ligase like 5; plus strand). Cytogenetic location: 14q24.3.
Variant type: single nucleotide variant.
Coding change: c.419G>T on transcript NM_015072.5 (MANE Select); coding-DNA position 419, G replaced by T.
Protein change: p.Arg140Leu; replaces arginine 140 with leucine.
Molecular consequence: missense variant.
Genome position (GRCh38, 1-based): chr14:75,690,239, G>T. VCF-style: chr14-75690239-G-T. GRCh37 (hg19) VCF-style: chr14-76156582-G-T.
Other names: p.D26G; short protein forms R140L.
Identifiers: ClinVar variation 4755415 (VCV004755415.1).